The following is an entry in ClinVar:

NM_002225.5(IVD):c.478G>A (p.Gly160Arg)

Gene: IVD (isovaleryl-CoA dehydrogenase; plus strand). Cytogenetic location: 15q15.1.
Variant type: single nucleotide variant.
Coding change: c.478G>A on transcript NM_002225.5 (MANE Select); coding-DNA position 478, G replaced by A.
Protein change: p.Gly160Arg; replaces glycine 160 with arginine.
Molecular consequence: missense variant. On other transcripts: non-coding transcript variant (1).
Genome position (GRCh38, 1-based): chr15:40,411,281, G>A. VCF-style: chr15-40411281-G-A. GRCh37 (hg19) VCF-style: chr15-40703480-G-A.
Other names: c.388G>A, p.Gly130Arg (NM_001159508.3); c.430G>A, p.Gly144Arg (NM_001354597.3); c.478G>A, p.Gly160Arg (NM_001354598.3, NM_001354601.3); c.565G>A, p.Gly189Arg (NM_001354599.3, NM_001354600.3); short protein forms G189R, G130R, G160R, G144R.
Identifiers: ClinVar variation 5003305 (VCV005003305.1).

ClinVar aggregate classification (germline): Uncertain significance (1 of 4 stars; one submission).

Conditions:
Isovaleryl-CoA dehydrogenase deficiency (IVA). Also called: Classic Isovaleric Acidemia; Isovaleric acidemia; ISOVALERIC ACID CoA DEHYDROGENASE DEFICIENCY; IVD DEFICIENCY. Identifiers: Orphanet 33, MedGen C0268575, MONDO:0009475, OMIM 243500.

gnomAD v4.1: 4 of 1,614,152 alleles (0.00025%); highest among the groups gnomAD compares: Middle Eastern, 0.017%; no homozygotes.

Submission:

Myriad Genetics, Inc.
Classification: Uncertain significance for Isovaleryl-CoA dehydrogenase deficiency. Last evaluated: 2026-03-06. Review status: criteria provided, single submitter. Criteria: Myriad Autosomal Dominant, Autosomal Recessive and X-Linked Classification Criteria (2023). Collection method: clinical testing. Allele origin: unknown.
Comment: NM_002225.3(IVD):c.487G>A(G163R) is a missense variant classified as a variant of uncertain significance in the context of isovaleric acidemia. G163R has been observed in cases with relevant disease (PMID: 33210480, 39318119). Relevant functional assessments of this variant are not available in the literature. G163R has been observed in referenced population frequency databases. In summary, there is insufficient evidence to classify NM_002225.3(IVD):c.487G>A(G163R) as pathogenic or benign. Please note: this variant was assessed in the context of healthy population screening.

Literature cited by the submitters: PubMed 33210480; PubMed 39318119.